The following is an entry in ClinVar:

ClinVar aggregate classification (germline): Benign (1 of 4 stars; one submission).

Allele frequency attached by ClinVar (database versions not stated): 1000 Genomes Project 0.00040; 1000 Genomes Project 30x 0.00047; TOPMed 0.00064; gnomAD 0.00074; gnomAD exomes 0.00096.
gnomAD v4.1: 194 of 231,736 alleles (0.084%); highest among the groups gnomAD compares: Middle Eastern, 0.8%; 1 homozygote.

Submission:

CeGaT Center for Human Genetics Tuebingen
Classification: Benign. Last evaluated: 2022-12-01. Review status: criteria provided, single submitter. Criteria: CeGaT Center For Human Genetics Tuebingen Variant Classification Criteria Version 2. Collection method: clinical testing. Allele origin: germline. Affected: yes. Observed: 2 variant alleles.
Comment: CIZ1: BS1, BS2

NM_001131016.2(CIZ1):c.-6+173C>T

Gene: CIZ1 (CDKN1A interacting zinc finger protein 1; minus strand). Cytogenetic location: 9q34.11.
Variant type: single nucleotide variant.
Coding change: c.-6+173C>T on transcript NM_001131016.2 (MANE Select); 173 bases into the intron after 6 bases upstream of the start codon, C replaced by T.
Molecular consequence: intron variant.
Genome position (GRCh38, 1-based): chr9:128,191,259, G>A on the plus strand (C>T on the coding strand, the complement: CIZ1 is on the minus strand). VCF-style: chr9-128191259-G-A. GRCh37 (hg19) VCF-style: chr9-130953538-G-A.
Other names: c.-5-397C>T (NM_001131015.2, NM_012127.3); c.86-397C>T (NM_001257975.2); c.-193+173C>T (NM_001257976.2); c.-6+173C>T (NM_001131018.2, NM_001131017.2).
Identifiers: ClinVar variation 2659521 (VCV002659521.24), dbSNP rs565736877, ClinGen allele CA200327905.
Genomic context (GRCh38, chr9:128,191,259, plus strand): 5'-ACTCACAGCCCCTTTTCAATACCGCAACCCTCTCTGGGCCCCCGGGTGTCAATAACATCG[G>A]CACCCGTCCAACCCGGTCACCGTGGTCCTGAGCTCCGTGGGACGGCTTCTCTCCACCACC-3'